The following is an entry in ClinVar:

ClinVar aggregate classification (germline): Conflicting classifications of pathogenicity. Review status: criteria provided, conflicting classifications (1 of 4 stars). 4 submissions from 4 submitters: Pathogenic (1); Likely pathogenic (2); Uncertain significance (1). Last evaluated 2026-01-26.

Conditions:
X-linked lymphoproliferative disease due to SH2D1A deficiency (XLP1). Also called: EBV infection severe susceptibility to; Epstein Barr virus infection familial fatal; Duncan's syndrome; SH2D1A-Related Lymphoproliferative Disease, X-Linked; PURTILO SYNDROME; DUNCAN DISEASE. Identifiers: Orphanet 2442, Orphanet 538931, MedGen C5399825, MONDO:0024551, OMIM 308240.
Lymphoproliferative disorder. Also called: Lymphoproliferative syndrome. Identifiers: MedGen C0024314, MONDO:0016537, HP:0005523.

Submissions (4):

Labcorp Genetics (formerly Invitae), Labcorp
Classification: Uncertain significance for X-linked lymphoproliferative disease due to SH2D1A deficiency. Last evaluated: 2026-01-26. Review status: criteria provided, single submitter. Criteria: Invitae Variant Classification Sherloc (09022015). Collection method: clinical testing. Allele origin: germline.
Comment: This sequence change replaces arginine, which is basic and polar, with glutamine, which is neutral and polar, at codon 55 of the SH2D1A protein (p.Arg55Gln). This variant is not present in population databases (gnomAD no frequency). This missense change has been observed in individual(s) with hemophagocytic lymphohistiocytosis and/or X-linked lymphoproliferative syndromes (PMID: 21119115, 32150605). ClinVar contains an entry for this variant (Variation ID: 871639). An algorithm developed to predict the effect of missense changes on protein structure and function (PolyPhen-2) suggests that this variant is likely to be disruptive. This variant disrupts the p.Arg55 amino acid residue in SH2D1A. Other variant(s) that disrupt this residue have been observed in individuals with SH2D1A-related conditions (PMID: 11133747), which suggests that this may be a clinically significant amino acid residue. In summary, the available evidence is currently insufficient to determine the role of this variant in disease. Therefore, it has been classified as a Variant of Uncertain Significance.

Dubai Health Genomic Medicine Center, Dubai Health
Classification: Likely pathogenic for Lymphoproliferative syndrome. Last evaluated: 2024-10-04. Review status: criteria provided, single submitter. Criteria: ACMG Guidelines, 2015. Collection method: research. Allele origin: germline. Affected: yes.
Comment: PM3(strong),PM5,PM2,PP3

GeneDx
Classification: Likely pathogenic. Last evaluated: 2023-03-17. Review status: criteria provided, single submitter. Criteria: GeneDx Variant Classification Process June 2021. Collection method: clinical testing. Allele origin: germline. Affected: yes.
Comment: In silico analysis supports that this missense variant has a deleterious effect on protein structure/function; Not observed at significant frequency in large population cohorts (gnomAD); This variant is associated with the following publications: (PMID: 21119115, 24433830, 32150605, 26878112, Dang2022[CaseReport])

CeGaT Center for Human Genetics Tuebingen
Classification: Pathogenic. Last evaluated: 2019-11-01. Review status: criteria provided, single submitter. Criteria: CeGaT Center For Human Genetics Tuebingen Variant Classification Criteria Version 2. Collection method: clinical testing. Allele origin: germline. Affected: yes. Observed: 5 variant alleles.

Literature cited by the submitters: PubMed 21119115 (cited by Labcorp Genetics (formerly Invitae), Labcorp); PubMed 32150605 (cited by Labcorp Genetics (formerly Invitae), Labcorp); PubMed 11133747 (cited by Labcorp Genetics (formerly Invitae), Labcorp).

NM_002351.5(SH2D1A):c.164G>A (p.Arg55Gln)

Gene: SH2D1A (SH2 domain containing 1A; plus strand). Cytogenetic location: Xq25.
Variant type: single nucleotide variant.
Coding change: c.164G>A on transcript NM_002351.5 (MANE Select); coding-DNA position 164, G replaced by A.
Protein change: p.Arg55Gln; replaces arginine 55 with glutamine.
Molecular consequence: missense variant.
Genome position (GRCh38, 1-based): chrX:124,365,787, G>A. VCF-style: chrX-124365787-G-A. GRCh37 (hg19) VCF-style: chrX-123499637-G-A.
Other names: c.164G>A, p.Arg55Gln (NM_001114937.3); c.164G>A (NM_002351.4); short protein forms R55Q.
Identifiers: ClinVar variation 871639 (VCV000871639.49), dbSNP rs111033630, ClinGen allele CA414123516.